The following is an entry in ClinVar:

NM_004656.4(BAP1):c.1702G>A (p.Gly568Arg)

Gene: BAP1 (BRCA1 associated deubiquitinase 1; minus strand). Cytogenetic location: 3p21.1.
Variant type: single nucleotide variant.
Coding change: c.1702G>A on transcript NM_004656.4 (MANE Select); coding-DNA position 1702, G replaced by A.
Protein change: p.Gly568Arg; replaces glycine 568 with arginine.
Molecular consequence: missense variant.
Genome position (GRCh38, 1-based): chr3:52,403,443, C>T on the plus strand (G>A on the coding strand, the complement: BAP1 is on the minus strand). VCF-style: chr3-52403443-C-T. GRCh37 (hg19) VCF-style: chr3-52437459-C-T.
Other names: c.1648G>A, p.Gly550Arg (NM_001410772.1); short protein forms G550R, G568R.
Identifiers: ClinVar variation 3383776 (VCV003383776.2).
Genomic context (GRCh38, chr3:52,403,443, plus strand): 5'-ACCAAGTGGCCAGTGAGCCAGTCCAAGGCCCACCTGTCAGCGCCAGGGGACTCAGCACCC[C>T]ATCCTCAGCCAGGTGCAGCAGGCCTGTGCTGATGACAGGACCCAGATCACGGACAGCACG-3'
Protein context (NP_004647.1, residues 558-578): STGLLHLAED[Gly568Arg]VLSPLALTEG

ClinVar aggregate classification (germline): Uncertain significance. Review status: criteria provided, multiple submitters, no conflicts (2 of 4 stars). 2 submissions from 2 submitters: Uncertain significance (2). Last evaluated 2025-09-08.

Conditions:
Hereditary cancer-predisposing syndrome. Also called: Neoplastic Syndromes, Hereditary; Hereditary Cancer Syndrome; Tumor predisposition; Hereditary neoplastic syndrome. Identifiers: Orphanet 140162, MedGen C0027672, MeSH D009386, MONDO:0015356.

Submissions (2):

Color Diagnostics, LLC DBA Color Health
Classification: Uncertain significance for Hereditary cancer-predisposing syndrome. Last evaluated: 2025-09-08. Review status: criteria provided, single submitter. Criteria: ACMG Guidelines, 2015. Collection method: clinical testing. Allele origin: germline.
Comment: This missense variant replaces glycine with arginine at codon 568 of the BAP1 protein. Computational prediction suggests that this variant may not impact protein structure and function. To our knowledge, functional studies have not been reported for this variant. This variant has not been reported in individuals affected with BAP1-related disorders in the literature. This variant has not been identified in the general population by the Genome Aggregation Database (gnomAD). The available evidence is insufficient to determine the role of this variant in disease conclusively. Therefore, this variant is classified as a Variant of Uncertain Significance.

GeneDx
Classification: Uncertain significance. Last evaluated: 2024-05-28. Review status: criteria provided, single submitter. Criteria: GeneDx Variant Classification Process June 2021. Collection method: clinical testing. Allele origin: germline. Affected: yes.
Comment: Not observed at significant frequency in large population cohorts (gnomAD); In silico analysis indicates that this missense variant does not alter protein structure/function; Has not been previously published as pathogenic or benign to our knowledge